The following is an entry in ClinVar:

NM_018116.4(MSTO1):c.647A>G (p.His216Arg)

Gene: MSTO1 (misato mitochondrial distribution and morphology regulator 1; plus strand). Cytogenetic location: 1q22.
Variant type: single nucleotide variant.
Coding change: c.647A>G on transcript NM_018116.4 (MANE Select); coding-DNA position 647, A replaced by G.
Protein change: p.His216Arg; replaces histidine 216 with arginine.
Molecular consequence: missense variant. On other transcripts: non-coding transcript variant (6).
Genome position (GRCh38, 1-based): chr1:155,612,069, A>G. VCF-style: chr1-155612069-A-G. GRCh37 (hg19) VCF-style: chr1-155581860-A-G.
Other names: c.647A>G, p.His216Arg (NM_001256532.1, NM_001256533.1, NM_001350772.1 and 3 more transcripts); c.482A>G, p.His161Arg (NM_001350776.1); c.116A>G, p.His39Arg (NM_001350777.1, NM_001350778.1, NM_001350779.1); c.113A>G, p.His38Arg (NM_001350780.1, NM_001350781.1, NM_001350782.1 and 3 more transcripts); c.104A>G, p.His35Arg (NM_001350784.1, NM_001350785.1, NM_001350787.1 and 1 more transcripts); short protein forms H161R, H216R, H35R, H38R, H39R.
Identifiers: ClinVar variation 1310268 (VCV001310268.2), dbSNP rs2148989477, ClinGen allele CA342757826.

ClinVar aggregate classification (germline): Uncertain significance (1 of 4 stars; one submission).

Submission:

GeneDx
Classification: Uncertain significance. Last evaluated: 2019-11-26. Review status: criteria provided, single submitter. Criteria: GeneDx Variant Classification Process June 2021. Collection method: clinical testing. Allele origin: germline. Affected: yes.
Comment: Not observed in large population cohorts (Lek et al., 2016); In silico analysis, which includes protein predictors and evolutionary conservation, supports that this variant does not alter protein structure/function; Has not been previously published as pathogenic or benign to our knowledge